The following is an entry in ClinVar:

NM_005562.3(LAMC2):c.2006_2012del (p.Ile669fs)

Gene: LAMC2 (laminin subunit gamma 2; plus strand). Cytogenetic location: 1q25.3.
Variant type: Deletion.
Coding change: c.2006_2012del on transcript NM_005562.3 (MANE Select); coding-DNA positions 2006 to 2012, 7 bases deleted (TTTCAGA; older notation c.2006_2012delTTTCAGA).
Protein change: p.Ile669fs; shifts the reading frame from isoleucine 669.
Molecular consequence: frameshift variant.
Genome position (GRCh38, 1-based): chr1:183,232,335-183,232,341, TTTCAGA deleted; deleting any 7 consecutive bases within chr1:183,232,331-183,232,341 gives the same sequence; the c. name uses the placement nearest the transcript's 3' end. VCF-style (leftmost placement, unchanged base first): chr1-183232330-CCAGATTT-C. GRCh37 (hg19) VCF-style: chr1-183201465-CCAGATTT-C.
Other names: c.2006_2012del, p.Ile669fs (NM_018891.3); short protein forms I669fs.
Identifiers: ClinVar variation 371316 (VCV000371316.12), dbSNP rs778012079, ClinGen allele CA1282783.
Genomic context (GRCh38, chr1:183,232,330, plus strand): 5'-AGAGCTGGAAGGCAGGATGCAGCAGGCTGAGCAGGCCCTTCAGGACATTCTGAGAGATGC[CCAGATTT>C]CAGAAGGTGATGAAGGCCAACTTCCCTTCAGACAGAAGAGAATTCATAGTCCTAGAAGGA-3'

ClinVar aggregate classification (germline): Pathogenic/Likely pathogenic. Review status: criteria provided, multiple submitters, no conflicts (2 of 4 stars). 4 submissions from 4 submitters: Pathogenic (2); Likely pathogenic (1). 1 of the submissions does not count toward it. Last evaluated 2024-05-07.

Conditions:
Epidermolysis bullosa, junctional 3A, intermediate. Also called: EPIDERMOLYSIS BULLOSA, JUNCTIONAL 3A, GENERALIZED INTERMEDIATE; EPIDERMOLYSIS BULLOSA, JUNCTIONAL 3A, NON-HERLITZ TYPE. Identifiers: MedGen C5676938, MONDO:0030748, OMIM 619785.
Epidermolysis bullosa, junctional 3B, severe. Also called: EPIDERMOLYSIS BULLOSA, JUNCTIONAL 3B, GENERALIZED SEVERE; EPIDERMOLYSIS BULLOSA, JUNCTIONAL 3B, HERLITZ TYPE. Identifiers: MedGen C5676939, MONDO:0030749, OMIM 619786.
Junctional epidermolysis bullosa. Identifiers: Orphanet 305, MedGen C0079301, MONDO:0017612.
Junctional epidermolysis bullosa gravis of Herlitz. Also called: Epidermolysis Bullosa Letalis; Herlitz-type junctional epidermolysis bullosa; EPIDERMOLYSIS BULLOSA, JUNCTIONAL 1B, SEVERE; EPIDERMOLYSIS BULLOSA JUNCTIONALIS, HERLITZ TYPE; EPIDERMOLYSIS BULLOSA, JUNCTIONAL, HERLITZ-PEARSON TYPE; JEB-HERLITZ TYPE. Identifiers: Orphanet 79404, MedGen C0079683, MONDO:0009182, OMIM 226700.

Submissions (4):

Fulgent Genetics
Classification: Pathogenic for Epidermolysis bullosa, junctional 3A, intermediate; Epidermolysis bullosa, junctional 3B, severe. Last evaluated: 2024-05-07. Review status: criteria provided, single submitter. Criteria: ACMG Guidelines, 2015. Collection method: clinical testing. Allele origin: germline.

Labcorp Genetics (formerly Invitae), Labcorp
Classification: Pathogenic. Last evaluated: 2023-11-05. Review status: criteria provided, single submitter. Criteria: Invitae Variant Classification Sherloc (09022015). Collection method: clinical testing. Allele origin: germline.
Comment: This sequence change creates a premature translational stop signal (p.Ile669Lysfs*14) in the LAMC2 gene. It is expected to result in an absent or disrupted protein product. Loss-of-function variants in LAMC2 are known to be pathogenic (PMID: 11907499, 16473856). This variant is present in population databases (rs778012079, gnomAD 0.0009%). This premature translational stop signal has been observed in individual(s) with junctional epidermolysis bullosa (PMID: 16473856). This variant is also known as 2006del7. ClinVar contains an entry for this variant (Variation ID: 371316). Algorithms developed to predict the effect of sequence changes on RNA splicing suggest that this variant may disrupt the consensus splice site. For these reasons, this variant has been classified as Pathogenic.

Women's Health and Genetics/Laboratory Corporation of America, LabCorp
Classification: Likely pathogenic for Junctional epidermolysis bullosa. Last evaluated: 2022-03-27. Review status: criteria provided, single submitter. Criteria: LabCorp Variant Classification Summary - May 2015. Collection method: clinical testing. Allele origin: germline.
Comment: Variant summary: LAMC2 c.2006_2012delTTTCAGA (p.Ile669LysfsX14) results in a premature termination codon, predicted to cause a truncation of the encoded protein or absence of the protein due to nonsense mediated decay, which are commonly known mechanisms for disease. Truncations downstream of this position have not been observed at our laboratory but have been reported in the HGMD database. The variant allele was found at a frequency of 8e-06 in 251332 control chromosomes. c.2006_2012delTTTCAGA has been reported in the literature in at-least one homozygous individual affected with Herlitz Junctional Epidermolysis Bullosa (example, Varki_2006). To our knowledge, no experimental evidence demonstrating an impact on protein function has been reported. Two clinical diagnostic laboratories have submitted clinical-significance assessments for this variant to ClinVar after 2014 without evidence for independent evaluation. All laboratories classified the variant as pathogenic/likely pathogenic. Based on the evidence outlined above, the variant was classified as likely pathogenic.

Counsyl
Classification: Likely pathogenic for Junctional epidermolysis bullosa gravis of Herlitz. Last evaluated: 2016-08-26. Review status: no assertion criteria provided. Collection method: clinical testing. Allele origin: unknown. Not counted in ClinVar's aggregate classification.

Literature cited by the submitters: PubMed 11907499 (cited by Labcorp Genetics (formerly Invitae), Labcorp); PubMed 16473856 (cited by 3 submitters).